The following is an entry in ClinVar:

NM_004655.4(AXIN2):c.145A>C (p.Met49Leu)

Gene: AXIN2 (axin 2; minus strand). Cytogenetic location: 17q24.1.
Variant type: single nucleotide variant.
Coding change: c.145A>C on transcript NM_004655.4 (MANE Select); coding-DNA position 145, A replaced by C.
Protein change: p.Met49Leu; replaces methionine 49 with leucine.
Molecular consequence: missense variant.
Genome position (GRCh38, 1-based): chr17:65,558,476, T>G on the plus strand (A>C on the coding strand, the complement: AXIN2 is on the minus strand). VCF-style: chr17-65558476-T-G. GRCh37 (hg19) VCF-style: chr17-63554594-T-G.
Other names: c.145A>C, p.Met49Leu (NM_001363813.1); short protein forms M49L.
Identifiers: ClinVar variation 944350 (VCV000944350.13), dbSNP rs1433573233, ClinGen allele CA400682042.

ClinVar aggregate classification (germline): Uncertain significance. Review status: criteria provided, multiple submitters, no conflicts (2 of 4 stars). 2 submissions from 2 submitters: Uncertain significance (2). Last evaluated 2026-01-26.

Conditions:
Hereditary cancer-predisposing syndrome. Also called: Neoplastic Syndromes, Hereditary; Hereditary Cancer Syndrome; Tumor predisposition; Hereditary neoplastic syndrome. Identifiers: Orphanet 140162, MedGen C0027672, MeSH D009386, MONDO:0015356.
Oligodontia-cancer predisposition syndrome. Also called: TOOTH AGENESIS-COLORECTAL CANCER SYNDROME. Identifiers: Orphanet 300576, MedGen C1837750, MONDO:0012075, OMIM 608615. Disease mechanism: loss of function.

Allele frequency attached by ClinVar (database versions not stated): TOPMed below 0.00001; gnomAD 0.00001.
gnomAD v4.1: 1 of 1,607,476 alleles (0.000062%); highest among the groups gnomAD compares: Admixed American, 0.0017%; no homozygotes.

Submissions (2):

Labcorp Genetics (formerly Invitae), Labcorp
Classification: Uncertain significance for Oligodontia-cancer predisposition syndrome. Last evaluated: 2026-01-26. Review status: criteria provided, single submitter. Criteria: Invitae Variant Classification Sherloc (09022015). Collection method: clinical testing. Allele origin: germline.
Comment: This sequence change replaces methionine, which is neutral and non-polar, with leucine, which is neutral and non-polar, at codon 49 of the AXIN2 protein (p.Met49Leu). This variant is not present in population databases (gnomAD no frequency). This variant has not been reported in the literature in individuals affected with AXIN2-related conditions. ClinVar contains an entry for this variant (Variation ID: 944350). Invitae Evidence Modeling of protein sequence and biophysical properties (such as structural, functional, and spatial information, amino acid conservation, physicochemical variation, residue mobility, and thermodynamic stability) indicates that this missense variant is not expected to disrupt AXIN2 protein function with a negative predictive value of 80%. In summary, the available evidence is currently insufficient to determine the role of this variant in disease. Therefore, it has been classified as a Variant of Uncertain Significance.

Ambry Genetics
Classification: Uncertain significance for Hereditary cancer-predisposing syndrome. Last evaluated: 2024-12-05. Review status: criteria provided, single submitter. Criteria: Ambry Variant Classification Scheme 2023. Collection method: clinical testing. Allele origin: germline.
Comment: The p.M49L variant (also known as c.145A>C), located in coding exon 1 of the AXIN2 gene, results from an A to C substitution at nucleotide position 145. The methionine at codon 49 is replaced by leucine, an amino acid with highly similar properties. This amino acid position is conserved. In addition, this alteration is predicted to be tolerated by in silico analysis. Since supporting evidence is limited at this time, the clinical significance of this alteration remains unclear.